The following is an entry in ClinVar:

NM_003873.7(NRP1):c.2367C>G (p.Asn789Lys)

Gene: NRP1 (neuropilin 1; minus strand). Cytogenetic location: 10p11.22.
Variant type: single nucleotide variant.
Coding change: c.2367C>G on transcript NM_003873.7 (MANE Select); coding-DNA position 2367, C replaced by G.
Protein change: p.Asn789Lys; replaces asparagine 789 with lysine.
Molecular consequence: missense variant. On other transcripts: non-coding transcript variant (1).
Genome position (GRCh38, 1-based): chr10:33,185,692, G>C on the plus strand (C>G on the coding strand, the complement: NRP1 is on the minus strand). VCF-style: chr10-33185692-G-C. GRCh37 (hg19) VCF-style: chr10-33474620-G-C.
Other names: c.2349C>G, p.Asn783Lys (NM_001244972.2); c.2346C>G, p.Asn782Lys (NM_001244973.2); c.2367C>G, p.Asn789Lys (NM_001330068.2); short protein forms N782K, N783K, N789K.
Identifiers: ClinVar variation 4998423 (VCV004998423.1).

ClinVar aggregate classification (germline): Uncertain significance (1 of 4 stars; one submission).

Conditions:
NRP1-related disorder. Also called: NRP1-related condition.

gnomAD v4.1: 1 of 1,614,078 alleles (0.000062%); highest among the groups gnomAD compares: Non-Finnish European, 0.000085%; no homozygotes.

Submission:

PreventionGenetics, part of Exact Sciences
Classification: Uncertain significance for NRP1-related condition. Last evaluated: 2026-03-31. Review status: criteria provided, single submitter. Criteria: ACMG Guidelines, 2015. Collection method: clinical testing. Allele origin: germline.
Comment: The NRP1 c.2367C>G variant is predicted to result in the amino acid substitution p.Asn789Lys. To our knowledge, this variant has not been reported in the literature or in a large population database (gnomAD), indicating this variant is rare. At this time, the clinical significance of this variant is uncertain due to the absence of conclusive functional and genetic evidence.